The following is an entry in ClinVar:

NM_020921.4(NIN):c.4539-15A>T

Gene: NIN (ninein; minus strand). Cytogenetic location: 14q22.1.
Variant type: single nucleotide variant.
Coding change: c.4539-15A>T on transcript NM_020921.4 (MANE Select); 15 bases into the intron before coding-DNA position 4539, A replaced by T.
Molecular consequence: intron variant.
Genome position (GRCh38, 1-based): chr14:50,754,882, T>A on the plus strand (A>T on the coding strand, the complement: NIN is on the minus strand). VCF-style: chr14-50754882-T-A. GRCh37 (hg19) VCF-style: chr14-51221600-T-A.
Other names: c.2400-15A>T (NM_016350.5); c.4539-15A>T (NM_182946.2, NM_182944.3).
Identifiers: ClinVar variation 4537172 (VCV004537172.1).
Genomic context (GRCh38, chr14:50,754,882, plus strand): 5'-ATTTCTCAAAATAGAATTTTCCTGTTGAAGCTTTTCAGATTCATATCTGAAGCACAGAGA[T>A]TGAAAAAAATTGTTACAAGGCAGTCATCTGGCATCTTTGGAAAATATTTTCTAGTAACTT-3'

ClinVar aggregate classification (germline): Likely benign (1 of 4 stars; one submission).

Submission:

Women's Health and Genetics/Laboratory Corporation of America, LabCorp
Classification: Likely benign. Last evaluated: 2025-11-26. Review status: criteria provided, single submitter. Criteria: LabCorp Variant Classification Summary - May 2015. Collection method: clinical testing. Allele origin: germline.
Comment: Variant summary: NIN c.4539-15A>T alters a nucleotide located at a position not widely known to affect splicing. Consensus agreement among computation tools predict no significant impact on normal splicing. However, these predictions have yet to be confirmed by functional studies. The variant allele was found at a frequency of 5e-06 in 199934 control chromosomes. The available data on variant occurrences in the general population are insufficient to allow any conclusion about variant significance. To our knowledge, no occurrence of c.4539-15A>T in individuals affected with NIN-related conditions and no experimental evidence demonstrating its impact on protein function have been reported. No submitters have cited clinical-significance assessments for this variant to ClinVar. Based on the evidence outlined above, the variant was classified as likely benign.